The following is an entry in ClinVar:

NM_001042492.3(NF1):c.7869+2T>C

Gene: NF1 (neurofibromin 1; plus strand). Cytogenetic location: 17q11.2.
Variant type: single nucleotide variant.
Coding change: c.7869+2T>C on transcript NM_001042492.3 (MANE Select); the canonical splice donor site of the intron after coding-DNA position 7869, T replaced by C.
Molecular consequence: splice donor variant.
Genome position (GRCh38, 1-based): chr17:31,357,092, T>C. VCF-style: chr17-31357092-T-C. GRCh37 (hg19) VCF-style: chr17-29684110-T-C.
Other names: c.7806+2T>C (NM_000267.4).
Identifiers: ClinVar variation 1071331 (VCV001071331.7), dbSNP rs1555536724, ClinGen allele CA399018727.

ClinVar aggregate classification (germline): Pathogenic. Review status: criteria provided, multiple submitters, no conflicts (2 of 4 stars). 2 submissions from 2 submitters: Pathogenic (2). Last evaluated 2025-04-09.

Conditions:
Neurofibromatosis, type 1 (NF1). Also called: VON RECKLINGHAUSEN DISEASE; Peripheral type neurofibromatosis; NEUROFIBROMATOSIS, TYPE I, SOMATIC; Neurofibromatosis, type I. Identifiers: Orphanet 636, MedGen C0027831, MONDO:0018975, OMIM 162200. Disease mechanism: loss of function.

Submissions (3):

NHS Central & South Genomic Laboratory Hub
Classification: Pathogenic for Neurofibromatosis type 1. Last evaluated: 2025-04-09. Review status: criteria provided, single submitter. Criteria: ACMG Guidelines, 2015. Collection method: clinical testing. Allele origin: germline. Affected: yes.

Labcorp Genetics (formerly Invitae), Labcorp
Classification: Pathogenic for Neurofibromatosis, type 1. Last evaluated: 2020-01-31. Review status: criteria provided, single submitter. Criteria: Invitae Variant Classification Sherloc (09022015). Collection method: clinical testing. Allele origin: germline.
Comment: For these reasons, this variant has been classified as Pathogenic. Donor and acceptor splice site variants typically lead to a loss of protein function (PMID: 16199547), and loss-of-function variants in NF1 are known to be pathogenic (PMID: 10712197, 23913538). Algorithms developed to predict the effect of sequence changes on RNA splicing suggest that this variant may disrupt the consensus splice site, but this prediction has not been confirmed by published transcriptional studies. Disruption of this splice site has been observed in individual(s) with neurofibromatosis, type 1 (PMID: 26056819, 11857752, Invitae). This variant is not present in population databases (ExAC no frequency). This sequence change affects a donor splice site in intron 52 of the NF1 gene. It is expected to disrupt RNA splicing and likely results in an absent or disrupted protein product.

Dr. Peter K. Rogan Lab, Western University
No classification provided (evidence only). Condition: Nonpapillary renal cell carcinoma. Review status: no classification provided. Collection method: in vitro. Allele origin: not applicable. Functional consequence: retained intron. Not counted in ClinVar's aggregate classification.

Literature cited by the submitters: PubMed 16199547 (cited by Labcorp Genetics (formerly Invitae), Labcorp); PubMed 10712197 (cited by Labcorp Genetics (formerly Invitae), Labcorp); PubMed 23913538 (cited by Labcorp Genetics (formerly Invitae), Labcorp); PubMed 26056819 (cited by Labcorp Genetics (formerly Invitae), Labcorp); PubMed 11857752 (cited by Labcorp Genetics (formerly Invitae), Labcorp).